The following is an entry in ClinVar:

ClinVar aggregate classification (germline): Pathogenic. Review status: criteria provided, multiple submitters, no conflicts (2 of 4 stars). 2 submissions from 2 submitters: Pathogenic (2). Last evaluated 2025-05-07.

Conditions:
Inborn genetic diseases. Identifiers: MedGen C0950123, MeSH D030342.

Submissions (2):

Ambry Genetics
Classification: Pathogenic for Inborn genetic diseases. Last evaluated: 2025-05-07. Review status: criteria provided, single submitter. Criteria: Ambry Variant Classification Scheme 2023. Collection method: clinical testing. Allele origin: germline.
Comment: The c.416_417delCT pathogenic mutation, located in coding exon 4 of the ETV6 gene, results from a deletion of two nucleotides at nucleotide positions 416 to 417, causing a translational frameshift with a predicted alternate stop codon (p.S139Yfs*14). This variant is considered to be rare based on population cohorts in the Genome Aggregation Database (gnomAD). This alteration is expected to result in loss of function by premature protein truncation or nonsense-mediated mRNA decay. As such, this alteration is interpreted as a disease-causing mutation.

Labcorp Genetics (formerly Invitae), Labcorp
Classification: Pathogenic. Last evaluated: 2024-01-07. Review status: criteria provided, single submitter. Criteria: Invitae Variant Classification Sherloc (09022015). Collection method: clinical testing. Allele origin: germline.
Comment: This sequence change creates a premature translational stop signal (p.Ser139Tyrfs*14) in the ETV6 gene. It is expected to result in an absent or disrupted protein product. Loss-of-function variants in ETV6 are known to be pathogenic (PMID: 26102509, 27365488, 29034503). This variant is not present in population databases (gnomAD no frequency). This variant has not been reported in the literature in individuals affected with ETV6-related conditions. For these reasons, this variant has been classified as Pathogenic.

Literature cited by the submitters: PubMed 26102509 (cited by Labcorp Genetics (formerly Invitae), Labcorp); PubMed 27365488 (cited by Labcorp Genetics (formerly Invitae), Labcorp); PubMed 29034503 (cited by Labcorp Genetics (formerly Invitae), Labcorp).

NM_001987.5(ETV6):c.416_417del (p.Ser139fs)

Gene: ETV6 (ETS variant transcription factor 6; plus strand). Cytogenetic location: 12p13.2.
Variant type: Microsatellite.
Coding change: c.416_417del on transcript NM_001987.5 (MANE Select); coding-DNA positions 416 to 417, 2 bases deleted (CT; older notation c.416_417delCT).
Protein change: p.Ser139fs; shifts the reading frame from serine 139.
Molecular consequence: frameshift variant.
Genome position (GRCh38, 1-based): chr12:11,853,514-11,853,515, CT deleted; deleting any 2 consecutive bases within chr12:11,853,512-11,853,515 gives the same sequence; the c. name uses the placement nearest the transcript's 3' end. VCF-style (leftmost placement, unchanged base first): chr12-11853511-ACT-A. GRCh37 (hg19) VCF-style: chr12-12006445-ACT-A.
Other names: c.411_412CT[1], p.Ser138Tyrfs (NM_001413913.1); c.387_388CT[1], p.Ser130Tyrfs (NM_001413914.1); c.150_151CT[1], p.Ser51Tyrfs (NM_001413915.1); c.414_415CT[1], p.Ser139Tyrfs (NM_001413916.1, NM_001413917.1, NM_001987.4); c.416_417delCT (NM_001987.4); short protein forms S139fs.
Identifiers: ClinVar variation 2003959 (VCV002003959.5), dbSNP rs2497982663, ClinGen allele CA645573657.